The following is an entry in ClinVar:

ClinVar aggregate classification (germline): Likely benign. Review status: criteria provided, multiple submitters, no conflicts (2 of 4 stars). 2 submissions from 2 submitters: Likely benign (2). Last evaluated 2022-04-21.

Allele frequency attached by ClinVar (database versions not stated): ExAC 0.00001; gnomAD exomes 0.00001 and 0.00002; ESP Exome Variant Server 0.00008; gnomAD 0.00011; TOPMed 0.00013.

Submissions (2):

Labcorp Genetics (formerly Invitae), Labcorp
Classification: Likely benign. Last evaluated: 2022-04-21. Review status: criteria provided, single submitter. Criteria: Invitae Variant Classification Sherloc (09022015). Collection method: clinical testing. Allele origin: germline.

GeneDx
Classification: Likely benign. Last evaluated: 2018-03-27. Review status: criteria provided, single submitter. Criteria: GeneDx Variant Classification (06012015). Collection method: clinical testing. Allele origin: germline. Affected: yes.
Comment: This variant is considered likely benign or benign based on one or more of the following criteria: it is a conservative change, it occurs at a poorly conserved position in the protein, it is predicted to be benign by multiple in silico algorithms, and/or has population frequency not consistent with disease.

NM_025265.4(TSEN2):c.1068C>T (p.Pro356=)

Gene: TSEN2 (tRNA splicing endonuclease subunit 2; plus strand). Cytogenetic location: 3p25.2.
Variant type: single nucleotide variant.
Coding change: c.1068C>T on transcript NM_025265.4 (MANE Select); coding-DNA position 1068, C replaced by T.
Protein change: p.Pro356=; no amino-acid change (proline 356 retained).
Molecular consequence: synonymous variant. On other transcripts: non-coding transcript variant (1).
Genome position (GRCh38, 1-based): chr3:12,519,166, C>T. VCF-style: chr3-12519166-C-T. GRCh37 (hg19) VCF-style: chr3-12560665-C-T.
Other names: c.1068C>T, p.Pro356= (NM_001145392.2, NM_001321277.2, NM_001321278.2); c.990C>T, p.Pro330= (NM_001145393.3, NM_001321279.2); c.891C>T, p.Pro297= (NM_001145394.2).
Identifiers: ClinVar variation 681107 (VCV000681107.5), dbSNP rs372715638, ClinGen allele CA2258701.